The following is an entry in ClinVar:

NM_001142864.4(PIEZO1):c.6154G>A (p.Val2052Ile)

Gene: PIEZO1 (piezo type mechanosensitive ion channel component 1 (Er blood group); minus strand). Cytogenetic location: 16q24.3.
Variant type: single nucleotide variant.
Coding change: c.6154G>A on transcript NM_001142864.4 (MANE Select); coding-DNA position 6154, G replaced by A.
Protein change: p.Val2052Ile; replaces valine 2052 with isoleucine.
Molecular consequence: missense variant.
Genome position (GRCh38, 1-based): chr16:88,720,079, C>T on the plus strand (G>A on the coding strand, the complement: PIEZO1 is on the minus strand). VCF-style: chr16-88720079-C-T. GRCh37 (hg19) VCF-style: chr16-88786487-C-T.
Other names: short protein forms V2052I.
Identifiers: ClinVar variation 811975 (VCV000811975.23), dbSNP rs564395221, ClinGen allele CA8231708.

ClinVar aggregate classification (germline): Conflicting classifications of pathogenicity. Review status: criteria provided, conflicting classifications (1 of 4 stars). 6 submissions from 6 submitters: Uncertain significance (5); Likely benign (1). Last evaluated 2025-02-20.

Conditions:
Inborn genetic diseases. Identifiers: MedGen C0950123, MeSH D030342.
Lymphatic malformation 6 (LMPHM6). Also called: PIEZO1-related generalized lymphatic dysplasia with non-immune hydrops fetalis; GENERALIZED LYMPHATIC DYSPLASIA OF FOTIOU; Lymphedema, hereditary, III. Identifiers: Orphanet 568062, MedGen C4225184, MONDO:0014797, OMIM 616843.

Allele frequency attached by ClinVar (database versions not stated): gnomAD exomes 0.00019 and 0.00038; TOPMed 0.00020; gnomAD 0.00024; ExAC 0.00027; 1000 Genomes Project 0.00040; 1000 Genomes Project 30x 0.00047.
gnomAD v4.1: 299 of 1,550,242 alleles (0.019%); highest among the groups gnomAD compares: Admixed American, 0.084%; no homozygotes.

Submissions (6):

Labcorp Genetics (formerly Invitae), Labcorp
Classification: Likely benign. Last evaluated: 2025-02-20. Review status: criteria provided, single submitter. Criteria: Invitae Variant Classification Sherloc (09022015). Collection method: clinical testing. Allele origin: germline.

Revvity Omics, Revvity
Classification: Uncertain significance. Last evaluated: 2024-09-09. Review status: criteria provided, single submitter. Criteria: ACMG Guidelines, 2015. Collection method: clinical testing. Allele origin: germline.

Ambry Genetics
Classification: Uncertain significance for Inborn genetic diseases. Last evaluated: 2024-02-27. Review status: criteria provided, single submitter. Criteria: Ambry Variant Classification Scheme 2023. Collection method: clinical testing. Allele origin: germline.

Clinical Genomics Laboratory, Washington University in St. Louis
Classification: Uncertain significance for Lymphatic malformation 6. Last evaluated: 2023-08-26. Review status: criteria provided, single submitter. Criteria: ACMG Guidelines, 2015. Collection method: clinical testing. Allele origin: germline.
Comment: The PIEZO1 c.6154G>A (p.Val2052Ile) variant was identified at a near heterozygous allelic fraction. The PIEZO1 c.6154G>A (p.Val2052Ile) variant, to our knowledge, has not been reported in the medical literature. This variant has been reported as a variant of uncertain significance by three submitters and a likely benign variant by one submitter (ClinVar variation ID: 811975). Computational predictors are uncertain as to the impact of this variant on PIEZO1 function. Due to limited information and based on ACMG/AMP guidelines for variant interpretation (Richards S et al., PMID: 25741868), the clinical significance of this variant is uncertain at this time.

Mayo Clinic Laboratories, Mayo Clinic
Classification: Uncertain significance. Last evaluated: 2021-07-01. Review status: criteria provided, single submitter. Criteria: ACMG Guidelines, 2015. Collection method: clinical testing. Allele origin: germline.

ARUP Laboratories, Molecular Genetics and Genomics, ARUP Laboratories
Classification: Uncertain significance. Last evaluated: 2019-04-19. Review status: criteria provided, single submitter. Criteria: ARUP Molecular Germline Variant Investigation Process. Collection method: clinical testing. Allele origin: germline.
Comment: The PIEZO1 c.6154G>A; p.Val2052Ile variant (rs564395221), to our knowledge, is not reported in the medical literature or gene-specific databases. This variant is found in the general population with an overall allele frequency of 0.04% (75/185368 alleles) in the Genome Aggregation Database. The valine at codon 2052 is moderately conserved, but computational analyses (SIFT: damaging, PolyPhen-2: benign) predict conflicting effects of this variant on protein structure/function. Due to limited information, the clinical significance of the p.Val2052Ile variant is uncertain at this time.